The following is an entry in ClinVar:

NM_003467.3(CXCR4):c.751T>A (p.Cys251Ser)

Gene: CXCR4 (C-X-C motif chemokine receptor 4; minus strand). Cytogenetic location: 2q22.1.
Variant type: single nucleotide variant.
Coding change: c.751T>A on transcript NM_003467.3 (MANE Select); coding-DNA position 751, T replaced by A.
Protein change: p.Cys251Ser; replaces cysteine 251 with serine.
Molecular consequence: missense variant.
Genome position (GRCh38, 1-based): chr2:136,115,177, A>T on the plus strand (T>A on the coding strand, the complement: CXCR4 is on the minus strand). VCF-style: chr2-136115177-A-T. GRCh37 (hg19) VCF-style: chr2-136872747-A-T.
Other names: c.763T>A, p.Cys255Ser (NM_001008540.2); c.964T>A, p.Cys322Ser (NM_001348056.2); c.850T>A, p.Cys284Ser (NM_001348059.2); c.706T>A, p.Cys236Ser (NM_001348060.2); short protein forms C251S, C284S, C322S, C236S, C255S.
Identifiers: ClinVar variation 3690639 (VCV003690639.3).

ClinVar aggregate classification (germline): Uncertain significance. Review status: criteria provided, multiple submitters, no conflicts (2 of 4 stars). 2 submissions from 2 submitters: Uncertain significance (2). Last evaluated 2026-05-10.

Conditions:
Warts, hypogammaglobulinemia, infections, and myelokathexis. Also called: WHIM syndrome. Identifiers: MedGen C0472817, MONDO:0023880.
CXCR4-related disorder. Also called: CXCR4-related condition.

gnomAD v4.1: 1 of 1,614,094 alleles (0.000062%); highest among the groups gnomAD compares: African/African-American, 0.0013%; no homozygotes.

Submissions (2):

PreventionGenetics, part of Exact Sciences
Classification: Uncertain significance for CXCR4-related condition. Last evaluated: 2026-05-10. Review status: criteria provided, single submitter. Criteria: ACMG Guidelines, 2015. Collection method: clinical testing. Allele origin: germline.
Comment: The CXCR4 c.751T>A variant is predicted to result in the amino acid substitution p.Cys251Ser. To our knowledge, this variant has not been reported in the literature or in a large population database (gnomAD), indicating this variant is rare. At this time, the clinical significance of this variant is uncertain due to the absence of conclusive functional and genetic evidence.

Labcorp Genetics (formerly Invitae), Labcorp
Classification: Uncertain significance for Warts, hypogammaglobulinemia, infections, and myelokathexis. Last evaluated: 2024-10-10. Review status: criteria provided, single submitter. Criteria: Invitae Variant Classification Sherloc (09022015). Collection method: clinical testing. Allele origin: germline.
Comment: This sequence change replaces cysteine, which is neutral and slightly polar, with serine, which is neutral and polar, at codon 251 of the CXCR4 protein (p.Cys251Ser). This variant is not present in population databases (gnomAD no frequency). This variant has not been reported in the literature in individuals affected with CXCR4-related conditions. An algorithm developed to predict the effect of missense changes on protein structure and function (PolyPhen-2) suggests that this variant is likely to be disruptive. In summary, the available evidence is currently insufficient to determine the role of this variant in disease. Therefore, it has been classified as a Variant of Uncertain Significance.